The following is an entry in ClinVar:

ClinVar aggregate classification (germline): Likely pathogenic (0 of 4 stars; one submission).

Conditions:
Phenylketonuria (PKU). Also called: Phenylketonuria (PKU); FOLLING DISEASE; OLIGOPHRENIA PHENYLPYRUVICA; Phenylketonurias. Identifiers: Orphanet 716, MedGen C0031485, MONDO:0009861, OMIM 261600. Disease mechanism: loss of function.

Submission:

Inserm U 954, Faculté de Médecine de Nancy
Classification: Likely pathogenic for Phenylketonuria. Review status: no assertion criteria provided. Collection method: not provided. Allele origin: unknown.
ClinVar note: Converted during submission from probable-pathogenic to Likely pathogenic.

NM_000277.3(PAH):c.841C>G (p.Pro281Ala)

Gene: PAH (phenylalanine hydroxylase; minus strand). Cytogenetic location: 12q23.2.
Variant type: single nucleotide variant.
Coding change: c.841C>G on transcript NM_000277.3 (MANE Select); coding-DNA position 841, C replaced by G.
Protein change: p.Pro281Ala; replaces proline 281 with alanine.
Molecular consequence: missense variant.
Genome position (GRCh38, 1-based): chr12:102,852,816, G>C on the plus strand (C>G on the coding strand, the complement: PAH is on the minus strand). VCF-style: chr12-102852816-G-C. GRCh37 (hg19) VCF-style: chr12-103246594-G-C.
Other names: c.841C>G, p.Pro281Ala (NM_001354304.2); short protein forms P281A.
Identifiers: ClinVar variation 120289 (VCV000120289.2), dbSNP rs199475654, ClinGen allele CA267678.